The following is an entry in ClinVar:

ClinVar aggregate classification (germline): Uncertain significance (1 of 4 stars; one submission).

Conditions:
Saldino-Mainzer syndrome (SRTD9). Also called: CONORENAL SYNDROME; Renal dysplasia, retinal pigmentary dystrophy, cerebellar ataxia and skeletal dysplasia; short-rib thoracic dysplasia 9 with or without polydactyly; SHORT-RIB THORACIC DYSPLASIA 9 WITHOUT POLYDACTYLY. Identifiers: Orphanet 140969, MedGen C1849437, MONDO:0009964, OMIM 266920.

Submission:

Labcorp Genetics (formerly Invitae), Labcorp
Classification: Uncertain significance for Saldino-Mainzer syndrome. Last evaluated: 2025-04-16. Review status: criteria provided, single submitter. Criteria: Invitae Variant Classification Sherloc (09022015). Collection method: clinical testing. Allele origin: germline.
Comment: This sequence change replaces alanine, which is neutral and non-polar, with valine, which is neutral and non-polar, at codon 294 of the IFT140 protein (p.Ala294Val). This variant is not present in population databases (gnomAD no frequency). This missense change has been observed in individual(s) with clinical features of retinitis pigmentosa (internal data). ClinVar contains an entry for this variant (Variation ID: 1059525). Invitae Evidence Modeling of protein sequence and biophysical properties (such as structural, functional, and spatial information, amino acid conservation, physicochemical variation, residue mobility, and thermodynamic stability) indicates that this missense variant is not expected to disrupt IFT140 protein function with a negative predictive value of 80%. In summary, the available evidence is currently insufficient to determine the role of this variant in disease. Therefore, it has been classified as a Variant of Uncertain Significance.

NM_014714.4(IFT140):c.881C>T (p.Ala294Val)

Genes: IFT140 (intraflagellar transport 140; minus strand), LOC105371046 (uncharacterized LOC105371046; plus strand). Cytogenetic location: 16p13.3.
Variant type: single nucleotide variant.
Coding change: c.881C>T on transcript NM_014714.4 (MANE Select); coding-DNA position 881, C replaced by T.
Protein change: p.Ala294Val; replaces alanine 294 with valine.
Molecular consequence: missense variant.
Genome position (GRCh38, 1-based): chr16:1,587,954, G>A on the plus strand (C>T on the coding strand, the complement: IFT140 is on the minus strand). VCF-style: chr16-1587954-G-A. GRCh37 (hg19) VCF-style: chr16-1637955-G-A.
Other names: short protein forms A294V.
Identifiers: ClinVar variation 1059525 (VCV001059525.9), dbSNP rs1452513681, ClinGen allele CA394217496.